The following is an entry in ClinVar:

NM_024577.4(SH3TC2):c.34A>G (p.Ser12Gly)

Gene: SH3TC2 (SH3 domain and tetratricopeptide repeats 2; minus strand). Cytogenetic location: 5q32.
Variant type: single nucleotide variant.
Coding change: c.34A>G on transcript NM_024577.4 (MANE Select); coding-DNA position 34, A replaced by G.
Protein change: p.Ser12Gly; replaces serine 12 with glycine.
Molecular consequence: missense variant.
Genome position (GRCh38, 1-based): chr5:149,062,989, T>C on the plus strand (A>G on the coding strand, the complement: SH3TC2 is on the minus strand). VCF-style: chr5-149062989-T-C. GRCh37 (hg19) VCF-style: chr5-148442552-T-C.
Other names: short protein forms S12G.
Identifiers: ClinVar variation 1732039 (VCV001732039.2), dbSNP rs2531819096, ClinGen allele CA361684605.

ClinVar aggregate classification (germline): Uncertain significance (1 of 4 stars; one submission).

Conditions:
Inborn genetic diseases. Identifiers: MedGen C0950123, MeSH D030342.

Submission:

Ambry Genetics
Classification: Uncertain significance for Inborn genetic diseases. Last evaluated: 2020-06-30. Review status: criteria provided, single submitter. Criteria: Ambry Variant Classification Scheme 2023. Collection method: clinical testing. Allele origin: germline.
Comment: The p.S12G variant (also known as c.34A>G), located in coding exon 1 of the SH3TC2 gene, results from an A to G substitution at nucleotide position 34. The serine at codon 12 is replaced by glycine, an amino acid with similar properties. This amino acid position is highly conserved in available vertebrate species. In addition, this alteration is predicted to be tolerated by in silico analysis. Since supporting evidence is limited at this time, the clinical significance of this alteration remains unclear.